The following is an entry in ClinVar:

GRCh38/hg38 16p13.3(chr16:165725-180586)x1

Genes: HBA1 (hemoglobin subunit alpha 1; plus strand), HBA2 (hemoglobin subunit alpha 2; plus strand), HBM (hemoglobin subunit mu; plus strand), HBQ1 (hemoglobin subunit theta 1; plus strand), LOC106804612 (hemoglobin subunit alpha 2 recombination region; plus strand) and 1 more. Cytogenetic location: 16p13.3.
Variant type: copy number loss.
Change: copy number 1 (one copy instead of two) of chr16:165,725-180,586 (14.9 kb, GRCh38 coordinates, 1-based), cytogenetic band 16p13.3.
Identifiers: ClinVar variation 57278 (VCV000057278.1).

ClinVar aggregate classification (germline): Pathogenic (1 of 4 stars; one submission).

Submission:

ISCA site 4
Classification: Pathogenic. Last evaluated: 2011-08-12. Review status: criteria provided, single submitter. Criteria: Kaminsky et al. (Genet Med. 2011). Collection method: clinical testing. Allele origin: unknown. Affected: yes. Observed: 1 variant allele.
Comment: Copy number variation identified through the course of routine clinical cytogenomic testing in postnatal populations. Clinical assertions have been curated as described in Kaminsky et al. 2011.